The following is an entry in ClinVar:

ClinVar aggregate classification (germline): Likely benign (1 of 4 stars; one submission).

Submission:

CeGaT Center for Human Genetics Tuebingen
Classification: Likely benign. Last evaluated: 2026-04-01. Review status: criteria provided, single submitter. Criteria: CeGaT Center For Human Genetics Tuebingen Variant Classification Criteria Version 2. Collection method: clinical testing. Allele origin: germline. Affected: yes. Observed: 1 variant allele.
Comment: ATP1A3: PM2:Supporting, BP4, BP7

NM_152296.5(ATP1A3):c.2148G>A (p.Lys716=)

Gene: ATP1A3 (ATPase Na+/K+ transporting subunit alpha 3; minus strand). Cytogenetic location: 19q13.2.
Variant type: single nucleotide variant.
Coding change: c.2148G>A on transcript NM_152296.5 (MANE Select); coding-DNA position 2148, G replaced by A.
Protein change: p.Lys716=; no amino-acid change (lysine 716 retained).
Molecular consequence: synonymous variant.
Genome position (GRCh38, 1-based): chr19:41,975,744, C>T on the plus strand (G>A on the coding strand, the complement: ATP1A3 is on the minus strand). VCF-style: chr19-41975744-C-T. GRCh37 (hg19) VCF-style: chr19-42479896-C-T.
Other names: c.2181G>A, p.Lys727= (NM_001256213.2); c.2187G>A, p.Lys729= (NM_001256214.2).
Identifiers: ClinVar variation 4873006 (VCV004873006.2).